The following is an entry in ClinVar:

NM_007272.3(CTRC):c.686G>C (p.Trp229Ser)

Gene: CTRC (chymotrypsin C; plus strand). Cytogenetic location: 1p36.21.
Variant type: single nucleotide variant.
Coding change: c.686G>C on transcript NM_007272.3 (MANE Select); coding-DNA position 686, G replaced by C.
Protein change: p.Trp229Ser; replaces tryptophan 229 with serine.
Molecular consequence: missense variant.
Genome position (GRCh38, 1-based): chr1:15,445,643, G>C. VCF-style: chr1-15445643-G-C. GRCh37 (hg19) VCF-style: chr1-15772138-G-C.
Other names: short protein forms W229S.
Identifiers: ClinVar variation 4869528 (VCV004869528.1).

ClinVar aggregate classification (germline): Uncertain significance (1 of 4 stars; one submission).

Conditions:
Hereditary pancreatitis (PCTT). Also called: Hereditary chronic pancreatitis; PRSS1-Related Hereditary Pancreatitis. Identifiers: Orphanet 676, MedGen C0238339, MONDO:0008185, OMIM 167800.

Submission:

Ambry Genetics
Classification: Uncertain significance for Hereditary pancreatitis. Last evaluated: 2026-04-02. Review status: criteria provided, single submitter. Criteria: Ambry Variant Classification Scheme 2023. Collection method: clinical testing. Allele origin: germline.
Comment: The p.W229S variant (also known as c.686G>C), located in coding exon 7 of the CTRC gene, results from a G to C substitution at nucleotide position 686. The tryptophan at codon 229 is replaced by serine, an amino acid with highly dissimilar properties. This amino acid position is conserved. In addition, this alteration is predicted to be deleterious by in silico analysis. Based on the available evidence, the clinical significance of this variant remains unclear.